The following is an entry in ClinVar:

ClinVar aggregate classification (germline): Uncertain significance (1 of 4 stars; one submission).

Conditions:
Leigh syndrome (NULS). Also called: Leigh's syndrome; Leigh Disease; Leigh Syndrome (mtDNA deletion); Subacute necrotizing encephalopathy; Necrotizing encephalopathy infantile subacute of Leigh; LEIGH SYNDROME, NUCLEAR. Identifiers: Orphanet 506, MedGen C2931891, MONDO:0009723, OMIM 256000.

Submission:

Labcorp Genetics (formerly Invitae), Labcorp
Classification: Uncertain significance for Leigh syndrome. Last evaluated: 2020-03-19. Review status: criteria provided, single submitter. Criteria: Invitae Variant Classification Sherloc (09022015). Collection method: clinical testing. Allele origin: germline.
Comment: This sequence change replaces serine with alanine at codon 286 of the SURF1 protein (p.Ser286Ala). The serine residue is moderately conserved and there is a moderate physicochemical difference between serine and alanine. This variant is not present in population databases (ExAC no frequency). In summary, the available evidence is currently insufficient to determine the role of this variant in disease. Therefore, it has been classified as a Variant of Uncertain Significance. Algorithms developed to predict the effect of missense changes on protein structure and function output the following: SIFT: "Tolerated"; PolyPhen-2: "Benign"; Align-GVGD: "Class C0". The alanine amino acid residue is found in multiple mammalian species, suggesting that this missense change does not adversely affect protein function. These predictions have not been confirmed by published functional studies and their clinical significance is uncertain. This variant has not been reported in the literature in individuals with SURF1-related conditions.

NM_003172.4(SURF1):c.856T>G (p.Ser286Ala)

Gene: SURF1 (SURF1 cytochrome c oxidase assembly factor; minus strand). Cytogenetic location: 9q34.2.
Variant type: single nucleotide variant.
Coding change: c.856T>G on transcript NM_003172.4 (MANE Select); coding-DNA position 856, T replaced by G.
Protein change: p.Ser286Ala; replaces serine 286 with alanine.
Molecular consequence: missense variant.
Genome position (GRCh38, 1-based): chr9:133,351,960, A>C on the plus strand (T>G on the coding strand, the complement: SURF1 is on the minus strand). VCF-style: chr9-133351960-A-C. GRCh37 (hg19) VCF-style: chr9-136218815-A-C.
Other names: c.529T>G, p.Ser177Ala (NM_001280787.1); short protein forms S177A, S286A.
Identifiers: ClinVar variation 1060141 (VCV001060141.9), dbSNP rs2119079774, ClinGen allele CA375693375.